The following is an entry in ClinVar:

NM_001378068.1(ANKAR):c.1298A>G (p.His433Arg)

Gene: ANKAR (ankyrin and armadillo repeat containing; plus strand). Cytogenetic location: 2q32.2.
Variant type: single nucleotide variant.
Coding change: c.1298A>G on transcript NM_001378068.1 (MANE Select); coding-DNA position 1298, A replaced by G.
Protein change: p.His433Arg; replaces histidine 433 with arginine.
Molecular consequence: missense variant.
Genome position (GRCh38, 1-based): chr2:189,693,168, A>G. VCF-style: chr2-189693168-A-G. GRCh37 (hg19) VCF-style: chr2-190557894-A-G.
Other names: c.1298A>G, p.His433Arg (NM_144708.3); short protein forms H433R.
Identifiers: ClinVar variation 2651760 (VCV002651760.24), dbSNP rs148779806, ClinGen allele CA2025047.

ClinVar aggregate classification (germline): Likely benign (1 of 4 stars; one submission).

Allele frequency attached by ClinVar (database versions not stated): 1000 Genomes Project 30x 0.00047; 1000 Genomes Project 0.00060; ESP Exome Variant Server 0.00078; TOPMed 0.00099; gnomAD 0.00104; ExAC 0.00150; gnomAD exomes 0.00163.
gnomAD v4.1: 2,423 of 1,552,386 alleles (0.16%); highest among the groups gnomAD compares: South Asian, 0.51%; 14 homozygotes.

Submission:

CeGaT Center for Human Genetics Tuebingen
Classification: Likely benign. Last evaluated: 2022-07-01. Review status: criteria provided, single submitter. Criteria: CeGaT Center For Human Genetics Tuebingen Variant Classification Criteria Version 2. Collection method: clinical testing. Allele origin: germline. Affected: yes. Observed: 1 variant allele.
Comment: ANKAR: BP4, BS2